The following is an entry in ClinVar:

ClinVar aggregate classification (germline): Pathogenic. Review status: reviewed by expert panel (3 of 4 stars). 8 submissions from 8 submitters: Pathogenic (1). 7 of the submissions do not count toward it. Last evaluated 2025-05-16.

Conditions:
Mucopolysaccharidosis type 1. Also called: Mucopolysaccharidosis Type I; IDUA deficiency; MPS I. Identifiers: Orphanet 579, MedGen C0023786, MONDO:0001586.
Mucopolysaccharidosis, MPS-I-S. Also called: MPS V; MUCOPOLYSACCHARIDOSIS TYPE V; Scheie Syndrome; MUCOPOLYSACCHARIDOSIS TYPE IS. Identifiers: Orphanet 93474, MedGen C0026708, MONDO:0011760, OMIM 607016.
Hurler syndrome. Also called: Severe MPS I (Hurler Syndrome); Gargoylism, Hurler Syndrome; MUCOPOLYSACCHARIDOSIS TYPE IH. Identifiers: Orphanet 93473, MedGen C0086795, MONDO:0011758, OMIM 607014.
Mucopolysaccharidosis, MPS-I-H/S. Also called: Mucopolysaccharidosis type IH/S. Identifiers: Orphanet 93476, MedGen C0086431, MONDO:0011759, OMIM 607015.

Allele frequency attached by ClinVar (database versions not stated): gnomAD exomes below 0.00001.
gnomAD v4.1: 3 of 1,607,696 alleles (0.00019%); highest among the groups gnomAD compares: East Asian, 0.0022%; no homozygotes.

Submissions (8):

ClinGen Lysosomal Storage Disorder Variant Curation Expert Panel
Classification: Pathogenic for Mucopolysaccharidosis type 1. Last evaluated: 2025-05-16. Review status: reviewed by expert panel. Criteria: ClinGen LSD ACMG Specifications IDUA V1.0.0. Collection method: curation. Allele origin: germline. Inheritance: Autosomal recessive inheritance.
Comment: The NM_000203.5:c.1091C>T variant in IDUA is a missense variant predicted to cause substitution of threonine by methionine at amino acid 364 (p.Thr364Met). This variant has been identified in at least 6 probands with MPS I. Three individuals are compound heterozygous for the variant and another variant in IDUA that has been classified as pathogenic for MPS I by the ClinGen LD VCEP, c.613_617dup (p.Glu207fs) (ClinVar Variation ID: 11921); phase unconfirmed (PMID: 15521993) (max 2 x 0.5 points = 1 point). Two individuals were apparently homozygous for the variant (PMID: 9391892, 16435211; 2 x 0.5 points; one of them is possibly compound heterozygous for the variant and a gene deletion) (PMID: 9391892). Another individual is compound heterozygous for the variant and c.589G>A p.(Gly197Ser) (PMID: 33301762). The allelic data from this patient will be used in the assessment of p.Gly197Ser and is not included here to avoid circular logic. Total 2 points (PM3_Strong). Patients reported with this variant had features specific to MPS I, including one patient with clinical symptoms consistent with the diagnosis, documented IDUA deficiency, and elevated urine GAGs that reduced upon treatment with ERT (PMID: 16435211) (PP4_Moderate). The highest population minor allele frequency in gnomAD v4.1.0 is 0.00002245 (1/44544 alleles) in the East Asian population, which is lower than the ClinGen Lysosomal Diseases VCEP’s threshold for PM2_Supporting (<0.00025), meeting this criterion (PM2_Supporting). Expression of the variant in COS-7 cells resulted in ~1% wild type IDUA activity and evidence of abnormal IDUA synthesis and processing indicating that this variant may impact protein function (PMIDs: 9391892, 10466419; PS3_Supporting). The computational predictor REVEL gives a score of 0.908 which is above the threshold of 0.773, evidence that correlates with impact to IDUA function at the moderate level based on the specifications of the ClinGen Lysosomal Diseases VCEP (PMID: 36413997; PP3_Moderate). There is a ClinVar entry for this variant (Variation ID: : 11925). In summary, this variant meets the criteria to be classified as pathogenic for MPS I based on the ACMG/AMP criteria applied, as specified by the ClinGen Lysosomal Diseases Variant Curation Expert Panel (Specifications Version 1.0.0): PM3_Strong, PP3_Moderate, PP4_Moderate,, PM2_Supporting, PS3_Supporting. (Classification approved by the ClinGen Lysosomal Diseases Variant Curation Expert Panel, May 16, 2025).

Natera, Inc.
Classification: Pathogenic for Mucopolysaccharidosis type I. Last evaluated: 2025-04-25. Review status: criteria provided, single submitter. Criteria: Natera Variant Classification Schema (03/2026). Collection method: clinical testing. Allele origin: germline. Not counted in ClinVar's aggregate classification.
Comment: The c.1091C>T variant in IDUA is a missense variant predicted to cause substitution of threonine to methionine at amino acid 364. This variant is rare in the general population with a frequency below the threshold expected for the associated phenotype(s). This variant has been observed in one or more individuals affected with the associated recessive disease, as either homozygous or compound heterozygous with a second variant (PMID: 34573925, 9391892, 33301762). Additionally, this variant has been observed to segregate in affected family members (PMID: 34573925). Functional studies show that this variant may disrupt protein function (PMID: 10466419). Computational prediction algorithms indicate this variant is likely to affect gene or protein function. Given the available evidence, this variant is classified as Pathogenic.

Fulgent Genetics
Classification: Likely pathogenic for Hurler syndrome; Mucopolysaccharidosis, MPS-I-H/S; Mucopolysaccharidosis, MPS-I-S. Last evaluated: 2024-06-11. Review status: criteria provided, single submitter. Criteria: ACMG Guidelines, 2015. Collection method: clinical testing. Allele origin: germline. Not counted in ClinVar's aggregate classification.

Labcorp Genetics (formerly Invitae), Labcorp
Classification: Pathogenic for Mucopolysaccharidosis type 1. Last evaluated: 2024-04-18. Review status: criteria provided, single submitter. Criteria: Invitae Variant Classification Sherloc (09022015). Collection method: clinical testing. Allele origin: germline. Not counted in ClinVar's aggregate classification.
Comment: This sequence change replaces threonine, which is neutral and polar, with methionine, which is neutral and non-polar, at codon 364 of the IDUA protein (p.Thr364Met). This variant is not present in population databases (gnomAD no frequency). This missense change has been observed in individual(s) with mucopolysaccharidosis type I (PMID: 9391892, 16435211, 29801497). ClinVar contains an entry for this variant (Variation ID: 11925). Advanced modeling of protein sequence and biophysical properties (such as structural, functional, and spatial information, amino acid conservation, physicochemical variation, residue mobility, and thermodynamic stability) has been performed at Invitae for this missense variant, however the output from this modeling did not meet the statistical confidence thresholds required to predict the impact of this variant on IDUA protein function. Experimental studies have shown that this missense change affects IDUA function (PMID: 9391892, 10466419). This variant disrupts the p.Thr364 amino acid residue in IDUA. Other variant(s) that disrupt this residue have been determined to be pathogenic (Invitae). This suggests that this residue is clinically significant, and that variants that disrupt this residue are likely to be disease-causing. For these reasons, this variant has been classified as Pathogenic.

Revvity Omics, Revvity
Classification: Pathogenic. Last evaluated: 2023-06-05. Review status: criteria provided, single submitter. Criteria: ACMG Guidelines, 2015. Collection method: clinical testing. Allele origin: germline. Not counted in ClinVar's aggregate classification.

Women's Health and Genetics/Laboratory Corporation of America, LabCorp
Classification: Pathogenic for Mucopolysaccharidosis type 1. Last evaluated: 2022-07-28. Review status: criteria provided, single submitter. Criteria: LabCorp Variant Classification Summary - May 2015. Collection method: clinical testing. Allele origin: germline. Not counted in ClinVar's aggregate classification.
Comment: Variant summary: IDUA c.1091C>T (p.Thr364Met) results in a non-conservative amino acid change in the encoded protein sequence. Five of five in-silico tools predict a damaging effect of the variant on protein function. The variant was absent in 234716 control chromosomes (gnomAD). c.1091C>T has been reported in the literature in multiple individuals affected with Mucopolysaccharidosis Type 1 (e.g. Lee-Chen_1997, Sun_2011, Chuang_2018, Thomas_2021). These data indicate that the variant is likely to be associated with disease. Functional studies showed that the variant of interest leads to decreased level of mRNA and extremely low levels of protein and enzyme activity (e.g. Lee-Chen_1997, Lee-Chen_1999). Two clinical diagnostic laboratories have submitted clinical-significance assessments for this variant to ClinVar after 2014 and both classified the variant as pathogenic/likely pathogenic. Based on the evidence outlined above, the variant was classified as pathogenic.

Counsyl
Classification: Likely pathogenic for Hurler syndrome. Last evaluated: 2019-07-12. Review status: no assertion criteria provided. Collection method: clinical testing. Allele origin: unknown. Not counted in ClinVar's aggregate classification.

OMIM
Classification: Pathogenic for HURLER-SCHEIE SYNDROME. Last evaluated: 1997-11-01. Review status: no assertion criteria provided. Collection method: literature only. Allele origin: germline. Not counted in ClinVar's aggregate classification.

Literature cited by the submitters: PubMed 34573925 (cited by Natera, Inc.); PubMed 9391892 (cited by 5 submitters); PubMed 33301762 (cited by Natera, Inc. and Women's Health and Genetics/Laboratory Corporation of America, LabCorp); PubMed 10466419 (cited by 4 submitters); PubMed 16435211 (cited by Labcorp Genetics (formerly Invitae), Labcorp and Counsyl); PubMed 29801497 (cited by 3 submitters); PubMed 15862278 (cited by Women's Health and Genetics/Laboratory Corporation of America, LabCorp); PubMed 21734815 (cited by Women's Health and Genetics/Laboratory Corporation of America, LabCorp).

NM_000203.5(IDUA):c.1091C>T (p.Thr364Met)

Gene: IDUA (alpha-L-iduronidase; plus strand). Cytogenetic location: 4p16.3.
Variant type: single nucleotide variant.
Coding change: c.1091C>T on transcript NM_000203.5 (MANE Select); coding-DNA position 1091, C replaced by T.
Protein change: p.Thr364Met; replaces threonine 364 with methionine.
Molecular consequence: missense variant. On other transcripts: non-coding transcript variant (1).
Genome position (GRCh38, 1-based): chr4:1,002,387, C>T. VCF-style: chr4-1002387-C-T. GRCh37 (hg19) VCF-style: chr4-996175-C-T.
Other names: NM_000203.5(IDUA):c.1091C>T; p.Thr364Met; c.1091C>T (NM_000203.4); c.695C>T, p.Thr232Met (NM_001363576.1); short protein forms T364M, T232M.
Identifiers: ClinVar variation 11925 (VCV000011925.15), dbSNP rs121965032, ClinGen allele CA256126.